The following is an entry in ClinVar:

NM_000051.4(ATM):c.8225dup (p.Asn2742fs)

Genes: ATM (ATM serine/threonine kinase; plus strand), C11orf65 (chromosome 11 open reading frame 65; minus strand). Cytogenetic location: 11q22.3.
Variant type: Duplication.
Coding change: c.8225dup on transcript NM_000051.4 (MANE Select); coding-DNA position 8225, one base duplicated (A; older notation c.8225dupA).
Protein change: p.Asn2742fs; shifts the reading frame from asparagine 2742.
Molecular consequence: frameshift variant. On other transcripts: intron variant (2).
Genome position (GRCh38, 1-based): chr11:108,335,918, A duplicated; the last of 3 consecutive A bases (chr11:108,335,916-108,335,918); duplicating any one gives the same sequence. VCF-style (leftmost placement, unchanged base first): chr11-108335915-G-GA. GRCh37 (hg19) VCF-style: chr11-108206642-G-GA.
Other names: c.8225dup, p.Asn2742fs (NM_001351834.2); c.641-26845dup (NM_001330368.2); c.695-624dup (NM_001351110.2); short protein forms N2742fs.
Identifiers: ClinVar variation 5042081 (VCV005042081.1).

ClinVar aggregate classification (germline): Pathogenic (1 of 4 stars; one submission).

Conditions:
Familial cancer of breast. Also called: BREAST CANCER, FAMILIAL; Hereditary breast cancer; hereditary breast carcinoma. Identifiers: Orphanet 227535, MedGen C0346153, MONDO:0016419, OMIM 114480. Disease mechanism: loss of function.

Submission:

Myriad Genetics, Inc.
Classification: Pathogenic for Familial cancer of breast. Last evaluated: 2026-07-16. Review status: criteria provided, single submitter. Criteria: Myriad Autosomal Dominant, Autosomal Recessive and X-Linked Classification Criteria (2023). Collection method: clinical testing. Allele origin: unknown.
Comment: This variant is considered pathogenic. This variant creates a frameshift predicted to result in premature protein truncation.